The following is an entry in ClinVar:

GRCh37/hg19 9p24.1(chr9:5126597-5185255)x3

Genes: INSL6 (insulin like 6; minus strand), JAK2 (Janus kinase 2; plus strand). Cytogenetic location: 9p24.1.
Variant type: copy number gain.
Change: copy number 3 (three copies instead of two) of chr9:5,126,597-5,185,255 (58.7 kb, GRCh37 coordinates, 1-based), cytogenetic band 9p24.1.
Identifiers: ClinVar variation 393908 (VCV000393908.3).

ClinVar aggregate classification (germline): conflicting data from submitters (0 of 4 stars; one submission).

Submission:

ISCA Site 6
Classification: conflicting data from submitters. Review status: no assertion criteria provided. Collection method: clinical testing. Allele origin: unknown. Affected: yes. Observed: 4 variant alleles. Clinical features observed: Developmental delay AND/OR other significant developmental or morphological phenotypes.
Comment: Uncertain significance(3), Benign (1)

Copy number variation identified through the course of routine clinical cytogenomic testing in postnatal populations, with clinical assertions as classified by the original submitter. For data from the original published study, Kaminsky, et al. 2011 (PubMed 21844811), please see nstd101.